The following is an entry in ClinVar:

NM_031471.6(FERMT3):c.1001T>C (p.Leu334Pro)

Gene: FERMT3 (FERM domain containing kindlin 3; plus strand). Cytogenetic location: 11q13.1.
Variant type: single nucleotide variant.
Coding change: c.1001T>C on transcript NM_031471.6 (MANE Select); coding-DNA position 1001, T replaced by C.
Protein change: p.Leu334Pro; replaces leucine 334 with proline.
Molecular consequence: missense variant.
Genome position (GRCh38, 1-based): chr11:64,219,630, T>C. VCF-style: chr11-64219630-T-C. GRCh37 (hg19) VCF-style: chr11-63987102-T-C.
Other names: c.1001T>C, p.Leu334Pro (NM_001382361.1, NM_001382362.1, NM_001382448.1 and 1 more transcripts); c.461T>C, p.Leu154Pro (NM_001382363.1, NM_001382364.1); short protein forms L154P, L334P.
Identifiers: ClinVar variation 3644525 (VCV003644525.2).

ClinVar aggregate classification (germline): Uncertain significance (1 of 4 stars; one submission).

Conditions:
Leukocyte adhesion deficiency 3. Also called: Leukocyte adhesion deficiency, type III; INTEGRIN ACTIVATION DEFICIENCY DISEASE; LEUKOCYTE ADHESION DEFICIENCY 1 VARIANT. Identifiers: Orphanet 2968, Orphanet 99844, MedGen C2748536, MONDO:0013016, OMIM 612840.

Submission:

Labcorp Genetics (formerly Invitae), Labcorp
Classification: Uncertain significance for Leukocyte adhesion deficiency 3. Last evaluated: 2024-03-04. Review status: criteria provided, single submitter. Criteria: Invitae Variant Classification Sherloc (09022015). Collection method: clinical testing. Allele origin: germline.
Comment: This sequence change replaces leucine, which is neutral and non-polar, with proline, which is neutral and non-polar, at codon 334 of the FERMT3 protein (p.Leu334Pro). This variant is not present in population databases (gnomAD no frequency). This variant has not been reported in the literature in individuals affected with FERMT3-related conditions. Advanced modeling of protein sequence and biophysical properties (such as structural, functional, and spatial information, amino acid conservation, physicochemical variation, residue mobility, and thermodynamic stability) performed at Invitae indicates that this missense variant is not expected to disrupt FERMT3 protein function with a negative predictive value of 80%. In summary, the available evidence is currently insufficient to determine the role of this variant in disease. Therefore, it has been classified as a Variant of Uncertain Significance.